The following is an entry in ClinVar:

ClinVar aggregate classification (germline): Pathogenic (1 of 4 stars; one submission).

Conditions:
Duchenne muscular dystrophy (DMD). Also called: MUSCULAR DYSTROPHY, PSEUDOHYPERTROPHIC PROGRESSIVE, DUCHENNE TYPE; Duchenne Muscular Dystrophy (DMD). Identifiers: Orphanet 98896, MedGen C0013264, MONDO:0010679, OMIM 310200.

Submission:

Labcorp Genetics (formerly Invitae), Labcorp
Classification: Pathogenic for Duchenne muscular dystrophy. Last evaluated: 2025-07-15. Review status: criteria provided, single submitter. Criteria: Invitae Variant Classification Sherloc (09022015). Collection method: clinical testing. Allele origin: germline.
Comment: This sequence change creates a premature translational stop signal (p.Gln1113*) in the DMD gene. It is expected to result in an absent or disrupted protein product. Loss-of-function variants in DMD are known to be pathogenic (PMID: 16770791, 25007885). This variant is not present in population databases (gnomAD no frequency). This premature translational stop signal has been observed in individual(s) with DMD-related conditions (PMID: 19937601, 25900853, 31919629). Algorithms developed to predict the effect of sequence changes on RNA splicing suggest that this variant may disrupt the consensus splice site. For these reasons, this variant has been classified as Pathogenic.

Literature cited by the submitters: PubMed 16770791; PubMed 25007885; PubMed 19937601; PubMed 25900853; PubMed 31919629.

NM_004006.3(DMD):c.3337C>T (p.Gln1113Ter)

Gene: DMD (dystrophin; minus strand). Cytogenetic location: Xp21.1.
Variant type: single nucleotide variant.
Coding change: c.3337C>T on transcript NM_004006.3 (MANE Select); coding-DNA position 3337, C replaced by T.
Protein change: p.Gln1113Ter; replaces glutamine 1113 with a stop codon.
Molecular consequence: nonsense.
Genome position (GRCh38, 1-based): chrX:32,463,534, G>A on the plus strand (C>T on the coding strand, the complement: DMD is on the minus strand). VCF-style: chrX-32463534-G-A. GRCh37 (hg19) VCF-style: chrX-32481651-G-A.
Other names: c.3313C>T, p.Gln1105Ter (NM_000109.4); c.3325C>T, p.Gln1109Ter (NM_004009.3); c.2968C>T, p.Gln990Ter (NM_004010.3); short protein forms Q1105*, Q1109*, Q1113*, Q990*.
Identifiers: ClinVar variation 4710687 (VCV004710687.1), dbSNP rs2148419206.
Genomic context (GRCh38, chrX:32,463,534, plus strand): 5'-CTTTGAGTTCTGTCTCAAGTCTCGAAGCAAACTCTGGCTCTGCTTCATTCTTTATCTTCT[G>A]CCCACCTTCATTGACACTGTTTAGACTGGGCTGAATTGTCTGAATATCACTGACTAAAAG-3'